The following is an entry in ClinVar:

NM_001394062.1(MACF1):c.5164G>A (p.Glu1722Lys)

Gene: MACF1 (microtubule actin crosslinking factor 1; plus strand). Cytogenetic location: 1p34.3.
Variant type: single nucleotide variant.
Coding change: c.5164G>A on transcript NM_001394062.1 (MANE Select); coding-DNA position 5164, G replaced by A.
Protein change: p.Glu1722Lys; replaces glutamic acid 1722 with lysine.
Molecular consequence: missense variant. On other transcripts: intron variant (1).
Genome position (GRCh38, 1-based): chr1:39,331,752, G>A. VCF-style: chr1-39331752-G-A. GRCh37 (hg19) VCF-style: chr1-39797424-G-A.
Other names: c.4629+4399G>A (NM_012090.5); short protein forms E1722K.
Identifiers: ClinVar variation 3234814 (VCV003234814.20), dbSNP rs747654377, ClinGen allele CA780417.

ClinVar aggregate classification (germline): Likely benign (1 of 4 stars; one submission).

Allele frequency attached by ClinVar (database versions not stated): ExAC 0.00001; gnomAD exomes 0.00002; gnomAD 0.00008; TOPMed 0.00008.
gnomAD v4.1: 41 of 1,614,042 alleles (0.0025%); highest among the groups gnomAD compares: African/African-American, 0.023%; no homozygotes.

Submission:

CeGaT Center for Human Genetics Tuebingen
Classification: Likely benign. Last evaluated: 2024-04-01. Review status: criteria provided, single submitter. Criteria: CeGaT Center For Human Genetics Tuebingen Variant Classification Criteria Version 2. Collection method: clinical testing. Allele origin: germline. Affected: yes. Observed: 1 variant allele.
Comment: MACF1: BP4, BS2